The following is an entry in ClinVar:

NM_052947.4(ALPK2):c.2393G>C (p.Arg798Thr)

Gene: ALPK2 (alpha kinase 2; minus strand). Cytogenetic location: 18q21.31.
Variant type: single nucleotide variant.
Coding change: c.2393G>C on transcript NM_052947.4 (MANE Select); coding-DNA position 2393, G replaced by C.
Protein change: p.Arg798Thr; replaces arginine 798 with threonine.
Molecular consequence: missense variant.
Genome position (GRCh38, 1-based): chr18:58,537,794, C>G on the plus strand (G>C on the coding strand, the complement: ALPK2 is on the minus strand). VCF-style: chr18-58537794-C-G. GRCh37 (hg19) VCF-style: chr18-56205026-C-G.
Other names: short protein forms R798T.
Identifiers: ClinVar variation 2449194 (VCV002449194.2), dbSNP rs773730533, ClinGen allele CA8977087.

ClinVar aggregate classification (germline): Uncertain significance (1 of 4 stars; one submission).

Allele frequency attached by ClinVar (database versions not stated): ExAC 0.00001; gnomAD exomes 0.00002.
gnomAD v4.1: 13 of 1,614,180 alleles (0.00081%); no homozygotes.

Submission:

Ambry Genetics
Classification: Uncertain significance. Last evaluated: 2022-11-06. Review status: criteria provided, single submitter. Criteria: Ambry Variant Classification Scheme 2023. Collection method: clinical testing. Allele origin: germline.
Comment: The p.R798T variant (also known as c.2393G>C), located in coding exon 4 of the ALPK2 gene, results from a G to C substitution at nucleotide position 2393. The arginine at codon 798 is replaced by threonine, an amino acid with similar properties. This amino acid position is conserved. In addition, this alteration is predicted to be tolerated by in silico analysis. Since supporting evidence is limited at this time, the clinical significance of this alteration remains unclear.